The following is an entry in ClinVar:

ClinVar aggregate classification (germline): Uncertain significance (0 of 4 stars; one submission).

Submission:

Martin Pollak Laboratory,  Beth Israel Deaconess Medical Center
Classification: Uncertain significance. Review status: no assertion criteria provided. Collection method: not provided. Allele origin: unknown.
Comment: Lower and higher UCa2+ groups
ClinVar note: Converted during submission from unknown to Uncertain significance.

NM_001126108.2(SLC12A3):c.861G>T (p.Val287=)

Gene: SLC12A3 (solute carrier family 12 member 3; plus strand). Cytogenetic location: 16q13.
Variant type: single nucleotide variant.
Coding change: c.861G>T on transcript NM_001126108.2 (MANE Select); coding-DNA position 861, G replaced by T.
Protein change: p.Val287=; no amino-acid change (valine 287 retained).
Molecular consequence: synonymous variant.
Genome position (GRCh38, 1-based): chr16:56,872,359, G>T. VCF-style: chr16-56872359-G-T. GRCh37 (hg19) VCF-style: chr16-56906271-G-T.
Other names: c.861G>T, p.Val287= (NM_000339.3); c.858G>T, p.Val286= (NM_001126107.2).
Identifiers: ClinVar variation 64419 (VCV000064419.2), dbSNP rs387907473, ClinGen allele CA216100.